The following is an entry in ClinVar:

NM_003244.4(TGIF1):c.16+1499T>C

Gene: TGIF1 (TGFB induced factor homeobox 1; plus strand). Cytogenetic location: 18p11.31.
Variant type: single nucleotide variant.
Coding change: c.16+1499T>C on transcript NM_003244.4 (MANE Select); 1499 bases into the intron after coding-DNA position 16, T replaced by C.
Molecular consequence: intron variant. On other transcripts: 5 prime UTR variant (1).
Genome position (GRCh38, 1-based): chr18:3,452,004, T>C. VCF-style: chr18-3452004-T-C. GRCh37 (hg19) VCF-style: chr18-3452002-T-C.
Other names: c.-423T>C (NM_170695.5); c.-44-4350T>C (NM_174886.3, NM_001278686.3); c.58+4207T>C (NM_173207.4); c.-45+3465T>C (NM_001374396.1); c.25+2348T>C (NM_001278682.2); c.16+1499T>C (NM_173208.3, NM_001278684.2); c.-45+1934T>C (NM_173209.3); c.-45+229T>C (NM_173210.4); and 1 more.
Identifiers: ClinVar variation 992745 (VCV000992745.27), dbSNP rs148390122, ClinGen allele CA8875712.

ClinVar aggregate classification (germline): Conflicting classifications of pathogenicity. Review status: criteria provided, conflicting classifications (1 of 4 stars). 3 submissions from 3 submitters: Uncertain significance (1); Benign (1). 1 of the submissions does not count toward it. Last evaluated 2026-08-01.

Conditions:
TGIF1-related disorder. Also called: TGIF1-related condition.
Holoprosencephaly 4 (HPE4). Identifiers: Orphanet 2162, MedGen C1840528, MONDO:0007734, OMIM 142946.

Allele frequency attached by ClinVar (database versions not stated): gnomAD exomes 0.00035 and 0.00059; ExAC 0.00065; 1000 Genomes Project 0.00160; 1000 Genomes Project 30x 0.00172; gnomAD 0.00197 and 0.00215; ESP Exome Variant Server 0.00223; TOPMed 0.00225.
gnomAD v4.1: 836 of 1,604,378 alleles (0.052%); highest among the groups gnomAD compares: African/African-American, 0.67%; 7 homozygotes.

Submissions (3):

CeGaT Center for Human Genetics Tuebingen
Classification: Benign. Last evaluated: 2026-08-01. Review status: criteria provided, single submitter. Criteria: CeGaT Center For Human Genetics Tuebingen Variant Classification Criteria Version 2. Collection method: clinical testing. Allele origin: germline. Affected: yes. Observed: 2 variant alleles.
Comment: TGIF1: BS1, BS2

New York Genome Center
Classification: Uncertain significance for Holoprosencephaly 4. Last evaluated: 2021-12-10. Review status: criteria provided, single submitter. Criteria: NYGC Assertion Criteria 2020. Collection method: clinical testing. Allele origin: inherited. Observed: 1 heterozygote. Study: CSER-NYCKidSeq.

PreventionGenetics, part of Exact Sciences
Classification: Benign for TGIF1-related condition. Last evaluated: 2019-10-28. Review status: no assertion criteria provided. Collection method: clinical testing. Allele origin: germline. Not counted in ClinVar's aggregate classification.
Comment: This variant is classified as benign based on ACMG/AMP sequence variant interpretation guidelines (Richards et al. 2015 PMID: 25741868, with internal and published modifications).